The following is an entry in ClinVar:

ClinVar aggregate classification (germline): Pathogenic (1 of 4 stars; one submission).

Conditions:
Cardiovascular phenotype. Identifiers: MedGen CN230736.
Hereditary cancer-predisposing syndrome. Also called: Tumor predisposition; Neoplastic Syndromes, Hereditary; Hereditary Cancer Syndrome; Hereditary neoplastic syndrome. Identifiers: Orphanet 140162, MedGen C0027672, MeSH D009386, MONDO:0015356.

Submission:

Ambry Genetics
Classification: Pathogenic for Cardiovascular phenotype; Hereditary cancer-predisposing syndrome. Last evaluated: 2025-01-10. Review status: criteria provided, single submitter. Criteria: Ambry Variant Classification Scheme 2023. Collection method: clinical testing. Allele origin: germline.
Comment: The c.2635dupT pathogenic mutation, located in coding exon 21 of the NF1 gene, results from a duplication of T at nucleotide position 2635, causing a translational frameshift with a predicted alternate stop codon (p.S879Ffs*27). This alteration is expected to result in loss of function by premature protein truncation or nonsense-mediated mRNA decay. As such, this alteration is interpreted as a disease-causing mutation.

NM_001042492.3(NF1):c.2635dup (p.Ser879fs)

Gene: NF1 (neurofibromin 1; plus strand). Cytogenetic location: 17q11.2.
Variant type: Duplication.
Coding change: c.2635dup on transcript NM_001042492.3 (MANE Select); coding-DNA position 2635, one base duplicated (T; older notation c.2635dupT).
Protein change: p.Ser879fs; shifts the reading frame from serine 879.
Molecular consequence: frameshift variant.
Genome position (GRCh38, 1-based): chr17:31,229,250, T duplicated; the last of 3 consecutive T bases (chr17:31,229,248-31,229,250); duplicating any one gives the same sequence. VCF-style (leftmost placement, unchanged base first): chr17-31229247-A-AT. GRCh37 (hg19) VCF-style: chr17-29556265-A-AT.
Other names: c.2635dup, p.Ser879Phefs (NM_000267.4); c.2635dupT (NM_000267.3); short protein forms S879fs.
Identifiers: ClinVar variation 3879035 (VCV003879035.1).
Genomic context (GRCh38, chr17:31,229,247, plus strand): 5'-TCTGGCCTGGCAACCTATAGCCCACCCATGGGTCCAGTCAGTGAACGTAAGGGTTCTATG[A>AT]TTTCAGTGATGTCTTCAGAGGGAAACGCAGATACACCTGTCAGCAAATTTATGGATCGGC-3'